The following is an entry in ClinVar:

NM_001098484.3(SLC4A4):c.2051A>T (p.Asn684Ile)

Gene: SLC4A4 (solute carrier family 4 member 4; plus strand). Cytogenetic location: 4q13.3.
Variant type: single nucleotide variant.
Coding change: c.2051A>T on transcript NM_001098484.3 (MANE Select); coding-DNA position 2051, A replaced by T.
Protein change: p.Asn684Ile; replaces asparagine 684 with isoleucine.
Molecular consequence: missense variant.
Genome position (GRCh38, 1-based): chr4:71,497,577, A>T. VCF-style: chr4-71497577-A-T. GRCh37 (hg19) VCF-style: chr4-72363294-A-T.
Other names: c.2051A>T, p.Asn684Ile (NM_001134742.2); c.1919A>T, p.Asn640Ile (NM_003759.4); short protein forms N640I, N684I.
Identifiers: ClinVar variation 780034 (VCV000780034.13), dbSNP rs35891845, ClinGen allele CA2955002.

ClinVar aggregate classification (germline): Conflicting classifications of pathogenicity. Review status: criteria provided, conflicting classifications (1 of 4 stars). 2 submissions from 2 submitters: Uncertain significance (1); Benign (1). Last evaluated 2026-01-17.

Conditions:
Autosomal recessive proximal renal tubular acidosis (PRTAO). Also called: PROXIMAL RENAL TUBULAR ACIDOSIS-OCULAR ANOMALY SYNDROME; RENAL TUBULAR ACIDOSIS, PROXIMAL, WITH OCULAR ABNORMALITIES AND IMPAIRED INTELLECTUAL DEVELOPMENT; RTA, PROXIMAL, AUTOSOMAL RECESSIVE; RENAL TUBULAR ACIDOSIS, PROXIMAL, WITH OCULAR ABNORMALITIES AND MENTAL RETARDATION. Identifiers: Orphanet 93607, MedGen C1970309, MONDO:0011422, OMIM 604278.

Allele frequency attached by ClinVar (database versions not stated): 1000 Genomes Project 30x 0.00031; 1000 Genomes Project 0.00040; TOPMed 0.00117; gnomAD 0.00145 and 0.00148; ESP Exome Variant Server 0.00192; gnomAD exomes 0.00218.
gnomAD v4.1: 3,340 of 1,613,596 alleles (0.21%); highest among the groups gnomAD compares: Non-Finnish European, 0.26%; 7 homozygotes.

Submissions (2):

Labcorp Genetics (formerly Invitae), Labcorp
Classification: Benign. Last evaluated: 2026-01-17. Review status: criteria provided, single submitter. Criteria: Invitae Variant Classification Sherloc (09022015). Collection method: clinical testing. Allele origin: germline.

Illumina Laboratory Services, Illumina
Classification: Uncertain significance for Autosomal recessive proximal renal tubular acidosis. Last evaluated: 2017-08-01. Review status: criteria provided, single submitter. Criteria: ICSL Variant Classification Criteria 13 December 2019. Collection method: clinical testing. Allele origin: germline.
Comment: This variant was observed as part of a predisposition screen in an ostensibly healthy population. A literature search was performed for the gene, cDNA change, and amino acid change (where applicable). Publications were found based on this search. However, the evidence from the literature, in combination with allele frequency data from public databases where available, was not sufficient to rule this variant in or out of causing disease. Therefore, this variant is classified as a variant of unknown significance.

Literature cited by the submitters: PubMed 21234596 (cited by Illumina Laboratory Services, Illumina).